The following is an entry in ClinVar:

ClinVar aggregate classification (germline): Uncertain significance (1 of 4 stars; one submission).

gnomAD v4.1: 3 of 1,604,468 alleles (0.00019%); highest among the groups gnomAD compares: Admixed American, 0.0051%; no homozygotes.

Submission:

Labcorp Genetics (formerly Invitae), Labcorp
Classification: Uncertain significance. Last evaluated: 2025-04-09. Review status: criteria provided, single submitter. Criteria: Invitae Variant Classification Sherloc (09022015). Collection method: clinical testing. Allele origin: germline.
Comment: This sequence change replaces serine, which is neutral and polar, with threonine, which is neutral and polar, at codon 242 of the LMX1B protein (p.Ser242Thr). This variant is present in population databases (rs531527584, gnomAD 0.006%). This variant has not been reported in the literature in individuals affected with LMX1B-related conditions. Invitae Evidence Modeling of protein sequence and biophysical properties (such as structural, functional, and spatial information, amino acid conservation, physicochemical variation, residue mobility, and thermodynamic stability) indicates that this missense variant is expected to disrupt LMX1B protein function with a positive predictive value of 80%. In summary, the available evidence is currently insufficient to determine the role of this variant in disease. Therefore, it has been classified as a Variant of Uncertain Significance.

NM_001174147.2(LMX1B):c.724T>A (p.Ser242Thr)

Gene: LMX1B (LIM homeobox transcription factor 1 beta; plus strand). Cytogenetic location: 9q33.3.
Variant type: single nucleotide variant.
Coding change: c.724T>A on transcript NM_001174147.2 (MANE Select); coding-DNA position 724, T replaced by A.
Protein change: p.Ser242Thr; replaces serine 242 with threonine.
Molecular consequence: missense variant.
Genome position (GRCh38, 1-based): chr9:126,693,306, T>A. VCF-style: chr9-126693306-T-A. GRCh37 (hg19) VCF-style: chr9-129455585-T-A.
Other names: c.724T>A, p.Ser242Thr (NM_001174146.2, NM_002316.4); short protein forms S242T.
Identifiers: ClinVar variation 4775147 (VCV004775147.1).